The following is an entry in ClinVar:

NM_014215.3(INSRR):c.3513C>T (p.Thr1171=)

Genes: INSRR (insulin receptor related receptor; minus strand), NTRK1 (neurotrophic receptor tyrosine kinase 1; plus strand). Cytogenetic location: 1q23.1.
Variant type: single nucleotide variant.
Coding change: c.3513C>T on transcript NM_014215.3 (MANE Select); coding-DNA position 3513, C replaced by T.
Protein change: p.Thr1171=; no amino-acid change (threonine 1171 retained).
Molecular consequence: synonymous variant. On other transcripts: intron variant (1).
Genome position (GRCh38, 1-based): chr1:156,841,679, G>A on the plus strand (C>T on the coding strand, the complement: INSRR is on the minus strand). VCF-style: chr1-156841679-G-A. GRCh37 (hg19) VCF-style: chr1-156811471-G-A.
Other names: c.10-402G>A (NM_001007792.1).
Identifiers: ClinVar variation 727965 (VCV000727965.33), dbSNP rs55694053, ClinGen allele CA1167650.

ClinVar aggregate classification (germline): Likely benign. Review status: criteria provided, multiple submitters, no conflicts (2 of 4 stars). 2 submissions from 2 submitters: Likely benign (2). Last evaluated 2025-11-01.

Allele frequency attached by ClinVar (database versions not stated): 1000 Genomes Project 30x 0.00047; gnomAD exomes 0.00054 and 0.00080; ExAC 0.00060; ESP Exome Variant Server 0.00085; 1000 Genomes Project 0.00040; TOPMed 0.00059; gnomAD 0.00067 and 0.00068.
gnomAD v4.1: 1,275 of 1,614,036 alleles (0.079%); highest among the groups gnomAD compares: Non-Finnish European, 0.098%; 3 homozygotes.

Submissions (2):

CeGaT Center for Human Genetics Tuebingen
Classification: Likely benign. Last evaluated: 2025-11-01. Review status: criteria provided, single submitter. Criteria: CeGaT Center For Human Genetics Tuebingen Variant Classification Criteria Version 2. Collection method: clinical testing. Allele origin: germline. Affected: yes. Observed: 4 variant alleles.
Comment: INSRR: BP4, BP7

Labcorp Genetics (formerly Invitae), Labcorp
Classification: Likely benign. Last evaluated: 2018-06-15. Review status: criteria provided, single submitter. Criteria: Invitae Variant Classification Sherloc (09022015). Collection method: clinical testing. Allele origin: germline.